The following is an entry in ClinVar:

ClinVar aggregate classification (germline): Uncertain significance. Review status: criteria provided, multiple submitters, no conflicts (2 of 4 stars). 2 submissions from 2 submitters: Uncertain significance (2). Last evaluated 2025-09-04.

Conditions:
Hypercholesterolemia, autosomal dominant, 3 (FHCL3). Also called: Familial Hypercholesterolemia, Autosomal Dominant, 3; PCSK9-Related Familial Hypercholesterolemia, Autosomal Dominant; Familial hypercholesterolemia 3. Identifiers: MedGen C1863551, MONDO:0011369, OMIM 603776.
Familial hypercholesterolemia. Also called: Familial hypercholesterolemias; Familial hypercholesterolaemia. Identifiers: MedGen C0020445, MONDO:0005439.

Allele frequency attached by ClinVar (database versions not stated): gnomAD exomes below 0.00001; TOPMed below 0.00001; gnomAD 0.00001; ExAC 0.00002.
gnomAD v4.1: 5 of 1,612,624 alleles (0.00031%); highest among the groups gnomAD compares: Admixed American, 0.0017%; no homozygotes.

Submissions (2):

Color Diagnostics, LLC DBA Color Health
Classification: Uncertain significance for Familial hypercholesterolemia. Last evaluated: 2025-09-04. Review status: criteria provided, single submitter. Criteria: ACMG Guidelines, 2015. Collection method: clinical testing. Allele origin: germline.
Comment: This variant causes a G to A nucleotide substitution at the -12 position of intron 11 of the PCSK9 gene. Splice site prediction tools predict that this variant may have a significant impact on RNA splicing. To our knowledge, functional studies have not been reported for this variant. This variant has not been reported in individuals affected with PCSK9-related disorders in the literature. This variant has been identified in 3/245932 chromosomes in the general population by the Genome Aggregation Database (gnomAD). The available evidence is insufficient to determine the role of this variant in disease conclusively. Therefore, this variant is classified as a Variant of Uncertain Significance.

All of Us Research Program, National Institutes of Health
Classification: Uncertain significance for Hypercholesterolemia, autosomal dominant, 3. Last evaluated: 2023-11-30. Review status: criteria provided, single submitter. Criteria: ACMG Guidelines, 2015. Collection method: clinical testing. Allele origin: germline. Inheritance: Autosomal dominant inheritance. Observed: 2 variant alleles, 2 heterozygotes.
Comment: This variant causes a G to A nucleotide substitution at the -12 position of intron 11 of the PCSK9 gene. Splice site prediction tools predict that this variant may have a significant impact on RNA splicing. To our knowledge, functional studies have not been reported for this variant. This variant has not been reported in individuals affected with PCSK9-related disorders in the literature. This variant has been identified in 3/245932 chromosomes in the general population by the Genome Aggregation Database (gnomAD). The available evidence is insufficient to determine the role of this variant in disease conclusively. Therefore, this variant is classified as a Variant of Uncertain Significance.

This study involves interpretation of variants in research participants for the purpose of population health screening. Participant phenotype was not available at the time of variant classification. Additional details can be found in publication PMID: 35346344, PMCID: PMC8962531

NM_174936.4(PCSK9):c.1864-12G>A

Gene: PCSK9 (proprotein convertase subtilisin/kexin type 9; plus strand). Cytogenetic location: 1p32.3.
Variant type: single nucleotide variant.
Coding change: c.1864-12G>A on transcript NM_174936.4 (MANE Select); 12 bases into the intron before coding-DNA position 1864, G replaced by A.
Molecular consequence: intron variant.
Genome position (GRCh38, 1-based): chr1:55,063,357, G>A. VCF-style: chr1-55063357-G-A. GRCh37 (hg19) VCF-style: chr1-55529030-G-A.
Other names: c.1489-12G>A (NM_001407246.1); c.1987-12G>A (NM_001407240.1); c.1867-12G>A (NM_001407242.1); c.1906-12G>A (NM_001407241.1); c.1690-12G>A (NM_001407244.1); c.1363-12G>A (NM_001407247.1); c.1807-12G>A (NM_001407243.1); c.1672-12G>A (NM_001407245.1).
Identifiers: ClinVar variation 2774066 (VCV002774066.4), dbSNP rs763353863, ClinGen allele CA039349.
Genomic context (GRCh38, chr1:55,063,357, plus strand): 5'-GGAGAAATGAAGTGTGGGTGGGGGTCCCGGGCCACGCTAGACATGTGCTTTCTTTTCCTC[G>A]GGCTCTGGCAGGTGACCGTGGCCTGCGAGGAGGGCTGGACCCTGACTGGCTGCAGTGCCC-3'